The following is an entry in ClinVar:

NM_000179.3(MSH6):c.3242T>C (p.Leu1081Ser)

Gene: MSH6 (mutS homolog 6; plus strand). Cytogenetic location: 2p16.3.
Variant type: single nucleotide variant.
Coding change: c.3242T>C on transcript NM_000179.3 (MANE Select); coding-DNA position 3242, T replaced by C.
Protein change: p.Leu1081Ser; replaces leucine 1081 with serine.
Molecular consequence: missense variant. On other transcripts: non-coding transcript variant (5), intron variant (1).
Genome position (GRCh38, 1-based): chr2:47,803,489, T>C. VCF-style: chr2-47803489-T-C. GRCh37 (hg19) VCF-style: chr2-48030628-T-C.
Other names: c.2852T>C, p.Leu951Ser (NM_001281492.2); c.2336T>C, p.Leu779Ser (NM_001281493.2, NM_001281494.2, NM_001406811.1 and 6 more transcripts); c.3338T>C, p.Leu1113Ser (NM_001406795.1, NM_001406802.1); c.3242T>C, p.Leu1081Ser (NM_001406796.1, NM_001406800.1, NM_001406808.1 and 1 more transcripts); c.2945T>C, p.Leu982Ser (NM_001406797.1, NM_001406801.1, NM_001406805.1 and 10 more transcripts); c.2717T>C, p.Leu906Ser (NM_001406799.1, NM_001406806.1, NM_001406807.1); c.2378T>C, p.Leu793Ser (NM_001406803.1); c.3164T>C, p.Leu1055Ser (NM_001406804.1); and 7 more; short protein forms L1055S, L1113S, L559S, L793S, L1081S, L30S, L396S, L779S.
Identifiers: ClinVar variation 4658111 (VCV004658111.1).

ClinVar aggregate classification (germline): Uncertain significance (1 of 4 stars; one submission).

Conditions:
Hereditary cancer-predisposing syndrome. Also called: Neoplastic Syndromes, Hereditary; Tumor predisposition; Hereditary Cancer Syndrome; Hereditary neoplastic syndrome. Identifiers: Orphanet 140162, MedGen C0027672, MeSH D009386, MONDO:0015356.

gnomAD v4.1: 1 of 1,614,152 alleles (0.000062%); highest among the groups gnomAD compares: Non-Finnish European, 0.000085%; no homozygotes.

Submission:

Ambry Genetics
Classification: Uncertain significance for Hereditary cancer-predisposing syndrome. Last evaluated: 2025-11-14. Review status: criteria provided, single submitter. Criteria: Ambry Variant Classification Scheme 2023. Collection method: clinical testing. Allele origin: germline.
Comment: The p.L1081S variant (also known as c.3242T>C), located in coding exon 5 of the MSH6 gene, results from a T to C substitution at nucleotide position 3242. The leucine at codon 1081 is replaced by serine, an amino acid with dissimilar properties. This amino acid position is conserved. In addition, the in silico prediction for this alteration is inconclusive. Based on the available evidence, the clinical significance of this variant remains unclear.